The following is an entry in ClinVar:

NM_004130.4(GYG1):c.319-2_319-1insC

Gene: GYG1 (glycogenin 1; plus strand). Cytogenetic location: 3q24.
Variant type: Insertion.
Coding change: c.319-2_319-1insC on transcript NM_004130.4 (MANE Select); the canonical splice acceptor site of the intron before coding-DNA position 319, C inserted.
Molecular consequence: splice acceptor variant.
Genome position: GRCh38 VCF-style: chr3-148996740-A-AC. GRCh37 (hg19) VCF-style: chr3-148714527-A-AC.
Other names: c.319-2_319-1insC (NM_001184720.2, NM_001184721.2).
Identifiers: ClinVar variation 3763584 (VCV003763584.2).

ClinVar aggregate classification (germline): Likely pathogenic (1 of 4 stars; one submission).

Conditions:
Polyglucosan body myopathy type 2. Identifiers: Orphanet 456369, MedGen C4015452, MONDO:0014526, OMIM 616199.
Glycogen storage disease XV (GSD15). Also called: GLYCOGENIN DEFICIENCY; GSD XV. Identifiers: Orphanet 263297, MedGen C3150754, MONDO:0013291, OMIM 613507.

Submission:

Labcorp Genetics (formerly Invitae), Labcorp
Classification: Likely pathogenic for Polyglucosan body myopathy type 2; Glycogen storage disease XV. Last evaluated: 2024-07-16. Review status: criteria provided, single submitter. Criteria: Invitae Variant Classification Sherloc (09022015). Collection method: clinical testing. Allele origin: germline.
Comment: This sequence change affects a splice site in intron 3 of the GYG1 gene. It is expected to disrupt RNA splicing. Variants that disrupt the donor or acceptor splice site typically lead to a loss of protein function (PMID: 16199547), and loss-of-function variants in GYG1 are known to be pathogenic (PMID: 20357282, 25272951). This variant is not present in population databases (gnomAD no frequency). This variant has not been reported in the literature in individuals affected with GYG1-related conditions. Algorithms developed to predict the effect of sequence changes on RNA splicing suggest that this variant may disrupt the consensus splice site. In summary, the currently available evidence indicates that the variant is pathogenic, but additional data are needed to prove that conclusively. Therefore, this variant has been classified as Likely Pathogenic.

Literature cited by the submitters: PubMed 16199547; PubMed 20357282; PubMed 25272951.